The following is an entry in ClinVar:

ClinVar aggregate classification (germline): Uncertain significance (1 of 4 stars; one submission).

Submission:

GeneDx
Classification: Uncertain significance. Last evaluated: 2024-06-13. Review status: criteria provided, single submitter. Criteria: GeneDx Variant Classification Process June 2021. Collection method: clinical testing. Allele origin: germline. Affected: yes.
Comment: Not observed at significant frequency in large population cohorts (gnomAD); In silico analysis indicates that this missense variant does not alter protein structure/function; Has not been previously published as pathogenic or benign to our knowledge

NM_002547.3(OPHN1):c.1324A>T (p.Ile442Phe)

Gene: OPHN1 (oligophrenin 1; minus strand). Cytogenetic location: Xq12.
Variant type: single nucleotide variant.
Coding change: c.1324A>T on transcript NM_002547.3 (MANE Select); coding-DNA position 1324, A replaced by T.
Protein change: p.Ile442Phe; replaces isoleucine 442 with phenylalanine.
Molecular consequence: missense variant.
Genome position (GRCh38, 1-based): chrX:68,119,285, T>A on the plus strand (A>T on the coding strand, the complement: OPHN1 is on the minus strand). VCF-style: chrX-68119285-T-A. GRCh37 (hg19) VCF-style: chrX-67339127-T-A.
Other names: short protein forms I442F.
Identifiers: ClinVar variation 3390750 (VCV003390750.1).